The following is an entry in ClinVar:

NM_145167.3(PIGM):c.863T>C (p.Phe288Ser)

Gene: PIGM (phosphatidylinositol glycan anchor biosynthesis class M; minus strand). Cytogenetic location: 1q23.2.
Variant type: single nucleotide variant.
Coding change: c.863T>C on transcript NM_145167.3 (MANE Select); coding-DNA position 863, T replaced by C.
Protein change: p.Phe288Ser; replaces phenylalanine 288 with serine.
Molecular consequence: missense variant.
Genome position (GRCh38, 1-based): chr1:160,030,877, A>G on the plus strand (T>C on the coding strand, the complement: PIGM is on the minus strand). VCF-style: chr1-160030877-A-G. GRCh37 (hg19) VCF-style: chr1-160000667-A-G.
Other names: short protein forms F288S.
Identifiers: ClinVar variation 2358869 (VCV002358869.5), dbSNP rs201783678, ClinGen allele CA1192963.

ClinVar aggregate classification (germline): Uncertain significance. Review status: criteria provided, multiple submitters, no conflicts (2 of 4 stars). 2 submissions from 2 submitters: Uncertain significance (2). Last evaluated 2026-01-05.

Conditions:
Hypercoagulability syndrome due to glycosylphosphatidylinositol deficiency (GPIBD1). Also called: GLYCOSYLPHOSPHATIDYLINOSITOL BIOSYNTHESIS DEFECT 1. Identifiers: Orphanet 83639, MedGen C5201145, MONDO:0012465, OMIM 610293.

Allele frequency attached by ClinVar (database versions not stated): ExAC 0.00021; gnomAD exomes 0.00050; TOPMed 0.00023; gnomAD 0.00036.

Submissions (2):

Labcorp Genetics (formerly Invitae), Labcorp
Classification: Uncertain significance for Hypercoagulability syndrome due to glycosylphosphatidylinositol deficiency. Last evaluated: 2026-01-05. Review status: criteria provided, single submitter. Criteria: Invitae Variant Classification Sherloc (09022015). Collection method: clinical testing. Allele origin: germline.
Comment: This sequence change replaces phenylalanine, which is neutral and non-polar, with serine, which is neutral and polar, at codon 288 of the PIGM protein (p.Phe288Ser). This variant is present in population databases (rs201783678, gnomAD 0.05%), and has an allele count higher than expected for a pathogenic variant. This variant has not been reported in the literature in individuals affected with PIGM-related conditions. ClinVar contains an entry for this variant (Variation ID: 2358869). Invitae Evidence Modeling of protein sequence and biophysical properties (such as structural, functional, and spatial information, amino acid conservation, physicochemical variation, residue mobility, and thermodynamic stability) indicates that this missense variant is not expected to disrupt PIGM protein function with a negative predictive value of 80%. In summary, the available evidence is currently insufficient to determine the role of this variant in disease. Therefore, it has been classified as a Variant of Uncertain Significance.

Ambry Genetics
Classification: Uncertain significance. Last evaluated: 2024-06-19. Review status: criteria provided, single submitter. Criteria: Ambry Variant Classification Scheme 2023. Collection method: clinical testing. Allele origin: germline.